The following is an entry in ClinVar:

ClinVar aggregate classification (germline): Uncertain significance (0 of 4 stars; one submission).

Allele frequency attached by ClinVar (database versions not stated): gnomAD 0.00008 and 0.00009; TOPMed 0.00005; ExAC 0.00006.

Submission:

Martin Pollak Laboratory,  Beth Israel Deaconess Medical Center
Classification: Uncertain significance. Review status: no assertion criteria provided. Collection method: not provided. Allele origin: unknown.
Comment: Lower UCa2+ group
ClinVar note: Converted during submission from unknown to Uncertain significance.

NM_019841.7(TRPV5):c.470G>A (p.Arg157His)

Gene: TRPV5 (transient receptor potential cation channel subfamily V member 5; minus strand). Cytogenetic location: 7q34.
Variant type: single nucleotide variant.
Coding change: c.470G>A on transcript NM_019841.7 (MANE Select); coding-DNA position 470, G replaced by A.
Protein change: p.Arg157His; replaces arginine 157 with histidine.
Molecular consequence: missense variant.
Genome position (GRCh38, 1-based): chr7:142,929,445, C>T on the plus strand (G>A on the coding strand, the complement: TRPV5 is on the minus strand). VCF-style: chr7-142929445-C-T. GRCh37 (hg19) VCF-style: chr7-142626540-C-T.
Other names: short protein forms R157H.
Identifiers: ClinVar variation 64572 (VCV000064572.2), dbSNP rs387907544, ClinGen allele CA216427.